The following is an entry in ClinVar:

ClinVar aggregate classification (germline): Pathogenic. Review status: criteria provided, multiple submitters, no conflicts (2 of 4 stars). 3 submissions from 3 submitters: Pathogenic (3). Last evaluated 2025-11-17.

Conditions:
Hereditary cancer-predisposing syndrome. Also called: Tumor predisposition; Hereditary Cancer Syndrome; Neoplastic Syndromes, Hereditary; Hereditary neoplastic syndrome. Identifiers: Orphanet 140162, MedGen C0027672, MeSH D009386, MONDO:0015356.
Familial cancer of breast. Also called: Hereditary breast cancer; hereditary breast carcinoma; BREAST CANCER, FAMILIAL. Identifiers: Orphanet 227535, MedGen C0346153, MONDO:0016419, OMIM 114480. Disease mechanism: loss of function.
Ataxia-telangiectasia syndrome (AT). Also called: Cerebello-oculocutaneous telangiectasia; Immunodeficiency with ataxia telangiectasia; Ataxia-telangiectasia, complementation group D; AT, COMPLEMENTATION GROUP C; Ataxia-telangiectasia, complementation group E; LOUIS-BAR SYNDROME. Identifiers: Orphanet 100, MedGen C0004135, MONDO:0008840, OMIM 208900.

Submissions (3):

Myriad Genetics, Inc.
Classification: Pathogenic for Familial cancer of breast. Last evaluated: 2025-11-17. Review status: criteria provided, single submitter. Criteria: Myriad Autosomal Dominant, Autosomal Recessive and X-Linked Classification Criteria (2023). Collection method: clinical testing. Allele origin: unknown.
Comment: This variant is considered pathogenic. This variant creates a frameshift predicted to result in premature protein truncation.

Labcorp Genetics (formerly Invitae), Labcorp
Classification: Pathogenic for Ataxia-telangiectasia syndrome. Last evaluated: 2025-07-18. Review status: criteria provided, single submitter. Criteria: Invitae Variant Classification Sherloc (09022015). Collection method: clinical testing. Allele origin: germline.
Comment: This sequence change creates a premature translational stop signal (p.Leu1231Phefs*13) in the ATM gene. It is expected to result in an absent or disrupted protein product. Loss-of-function variants in ATM are known to be pathogenic (PMID: 23807571, 25614872). This variant is not present in population databases (gnomAD no frequency). This premature translational stop signal has been observed in individual(s) with ataxia-telangiectasia (PMID: 21833744). ClinVar contains an entry for this variant (Variation ID: 453481). For these reasons, this variant has been classified as Pathogenic.

Ambry Genetics
Classification: Pathogenic for Hereditary cancer-predisposing syndrome. Last evaluated: 2025-02-10. Review status: criteria provided, single submitter. Criteria: Ambry Variant Classification Scheme 2023. Collection method: clinical testing. Allele origin: germline.
Comment: The c.3693_3697delATCTT pathogenic mutation, located in coding exon 24 of the ATM gene, results from a deletion of 5 nucleotides at nucleotide positions 3693 to 3697, causing a translational frameshift with a predicted alternate stop codon (p.L1231Ffs*13). This mutation has been reported in conjunction with a nonsense mutation in ATM in an individual with ataxia telangiectasia (Soukupova J et al. Neuromolecular Med., 2011 Sep;13:204-11). This mutation has also been identified in a cohort of women with breast and/or ovarian cancer who underwent multigene panel testing (Tedaldi G et al. Oncotarget, 2017 Jul;8:47064-47075). This variant is considered to be rare based on population cohorts in the Genome Aggregation Database (gnomAD). In addition to the clinical data presented in the literature, this alteration is expected to result in loss of function by premature protein truncation or nonsense-mediated mRNA decay. As such, this alteration is interpreted as a disease-causing mutation.

Literature cited by the submitters: PubMed 23807571 (cited by Labcorp Genetics (formerly Invitae), Labcorp); PubMed 25614872 (cited by Labcorp Genetics (formerly Invitae), Labcorp); PubMed 21833744 (cited by Labcorp Genetics (formerly Invitae), Labcorp and Ambry Genetics); PubMed 28423363 (cited by Ambry Genetics).

NM_000051.4(ATM):c.3693_3697del (p.Leu1231fs)

Gene: ATM (ATM serine/threonine kinase; plus strand). Cytogenetic location: 11q22.3.
Variant type: Deletion.
Coding change: c.3693_3697del on transcript NM_000051.4 (MANE Select); coding-DNA positions 3693 to 3697, 5 bases deleted (ATCTT; older notation c.3693_3697delATCTT).
Protein change: p.Leu1231fs; shifts the reading frame from leucine 1231.
Molecular consequence: frameshift variant.
Genome position (GRCh38, 1-based): chr11:108,282,826-108,282,830, ATCTT deleted; deleting any 5 consecutive bases within chr11:108,282,823-108,282,830 gives the same sequence; the c. name uses the placement nearest the transcript's 3' end. VCF-style (leftmost placement, unchanged base first): chr11-108282822-ACTTAT-A. GRCh37 (hg19) VCF-style: chr11-108153549-ACTTAT-A.
Other names: c.3693_3697delATCTT (NM_000051.3); c.3693_3697del, p.Leu1231fs (NM_001351834.2); short protein forms L1231fs.
Identifiers: ClinVar variation 453481 (VCV000453481.14), dbSNP rs1555092477, ClinGen allele CA658656236.